The following is an entry in ClinVar:

NM_000553.6(WRN):c.3224T>G (p.Leu1075Arg)

Gene: WRN (WRN RecQ like helicase; plus strand). Cytogenetic location: 8p12.
Variant type: single nucleotide variant.
Coding change: c.3224T>G on transcript NM_000553.6 (MANE Select); coding-DNA position 3224, T replaced by G.
Protein change: p.Leu1075Arg; replaces leucine 1075 with arginine.
Molecular consequence: missense variant.
Genome position (GRCh38, 1-based): chr8:31,141,766, T>G. VCF-style: chr8-31141766-T-G. GRCh37 (hg19) VCF-style: chr8-30999282-T-G.
Other names: short protein forms L1075R.
Identifiers: ClinVar variation 2736561 (VCV002736561.3), dbSNP rs766463285, ClinGen allele CA370923196.

ClinVar aggregate classification (germline): Uncertain significance (1 of 4 stars; one submission).

Conditions:
Werner syndrome (WRN). Identifiers: Orphanet 902, MedGen C0043119, MONDO:0010196, OMIM 277700.

Submission:

Labcorp Genetics (formerly Invitae), Labcorp
Classification: Uncertain significance for Werner syndrome. Last evaluated: 2023-11-16. Review status: criteria provided, single submitter. Criteria: Invitae Variant Classification Sherloc (09022015). Collection method: clinical testing. Allele origin: germline.
Comment: This sequence change replaces leucine, which is neutral and non-polar, with arginine, which is basic and polar, at codon 1075 of the WRN protein (p.Leu1075Arg). This variant is not present in population databases (gnomAD no frequency). This variant has not been reported in the literature in individuals affected with WRN-related conditions. An algorithm developed to predict the effect of missense changes on protein structure and function (PolyPhen-2) suggests that this variant is likely to be tolerated. In summary, the available evidence is currently insufficient to determine the role of this variant in disease. Therefore, it has been classified as a Variant of Uncertain Significance.